The following is an entry in ClinVar:

ClinVar aggregate classification (germline): Likely benign. Review status: criteria provided, multiple submitters, no conflicts (2 of 4 stars). 3 submissions from 3 submitters: Likely benign (2). 1 of the submissions does not count toward it. Last evaluated 2025-12-19.

Conditions:
POLG-related disorder. Also called: POLG-related condition; POLG-Related Disorders; POLG-Related Spectrum Disorders. Identifiers: MedGen C4763519.
Progressive sclerosing poliodystrophy (MTDPS4A). Also called: Alpers-Huttenlocher Syndrome (AHS); ALPERS PROGRESSIVE INFANTILE POLIODYSTROPHY; Mitochondrial DNA Depletion Syndrome 4A; Mitochondrial DNA depletion syndrome 4A (Alpers type); NEURONAL DEGENERATION OF CHILDHOOD WITH LIVER DISEASE, PROGRESSIVE; Alpers Syndrome. Identifiers: Orphanet 726, MedGen C0205710, MONDO:0008758, OMIM 203700.

Allele frequency attached by ClinVar (database versions not stated): gnomAD 0.00002 and 0.00003; gnomAD exomes 0.00002; TOPMed 0.00004; 1000 Genomes Project 30x 0.00016; 1000 Genomes Project 0.00020.
gnomAD v4.1: 37 of 1,612,940 alleles (0.0023%); highest among the groups gnomAD compares: East Asian, 0.053%; no homozygotes.

Submissions (3):

Labcorp Genetics (formerly Invitae), Labcorp
Classification: Likely benign for Progressive sclerosing poliodystrophy. Last evaluated: 2025-12-19. Review status: criteria provided, single submitter. Criteria: Invitae Variant Classification Sherloc (09022015). Collection method: clinical testing. Allele origin: germline.

GeneDx
Classification: Likely benign. Last evaluated: 2017-01-24. Review status: criteria provided, single submitter. Criteria: GeneDx Variant Classification (06012015). Collection method: clinical testing. Allele origin: germline. Affected: yes.
Comment: This variant is considered likely benign or benign based on one or more of the following criteria: it is a conservative change, it occurs at a poorly conserved position in the protein, it is predicted to be benign by multiple in silico algorithms, and/or has population frequency not consistent with disease.

PreventionGenetics, part of Exact Sciences
Classification: Likely benign for POLG-related condition. Last evaluated: 2022-12-28. Review status: no assertion criteria provided. Collection method: clinical testing. Allele origin: germline. Not counted in ClinVar's aggregate classification.
Comment: This variant is classified as likely benign based on ACMG/AMP sequence variant interpretation guidelines (Richards et al. 2015 PMID: 25741868, with internal and published modifications).

NM_002693.3(POLG):c.1867T>C (p.Leu623=)

Gene: POLG (DNA polymerase gamma, catalytic subunit; minus strand). Cytogenetic location: 15q26.1.
Variant type: single nucleotide variant.
Coding change: c.1867T>C on transcript NM_002693.3 (MANE Select); coding-DNA position 1867, T replaced by C.
Protein change: p.Leu623=; no amino-acid change (leucine 623 retained).
Molecular consequence: synonymous variant.
Genome position (GRCh38, 1-based): chr15:89,325,532, A>G on the plus strand (T>C on the coding strand, the complement: POLG is on the minus strand). VCF-style: chr15-89325532-A-G. GRCh37 (hg19) VCF-style: chr15-89868763-A-G.
Other names: c.1867T>C, p.Leu623= (NM_001126131.2).
Identifiers: ClinVar variation 516490 (VCV000516490.13), dbSNP rs548491099, ClinGen allele CA7724673.
Genomic context (GRCh38, chr15:89,325,532, plus strand): 5'-CTGACTCCAGGGTGGTACCTGTCGGCAGCTTGGCCAGGTTGTCCCGCCGCCCAGGCACCA[A>G]GTAGCCCCAGCCATGACGCTCTGAGTAGTGCAGAGGGAAGCCATCCCAGGTAAGTGCCAT-3'
Protein context (NP_002684.1, residues 613-633): HYSERHGWGY[Leu623=]VPGRRDNLAK